The following is an entry in ClinVar:

NM_173651.4(FSIP2):c.7539C>T (p.Asn2513=)

Genes: FSIP2 (fibrous sheath interacting protein 2; plus strand), FSIP2-AS1 (FSIP2 antisense RNA 1; minus strand). Cytogenetic location: 2q32.1.
Variant type: single nucleotide variant.
Coding change: c.7539C>T on transcript NM_173651.4 (MANE Select); coding-DNA position 7539, C replaced by T.
Protein change: p.Asn2513=; no amino-acid change (asparagine 2513 retained).
Molecular consequence: synonymous variant.
Genome position (GRCh38, 1-based): chr2:185,794,675, C>T. VCF-style: chr2-185794675-C-T. GRCh37 (hg19) VCF-style: chr2-186659402-C-T.
Identifiers: ClinVar variation 3034750 (VCV003034750.3), dbSNP rs116830639, ClinGen allele CA2016792.

ClinVar aggregate classification (germline): Likely benign. Review status: criteria provided, single submitter (1 of 4 stars). 2 submissions from 2 submitters: Likely benign (1). 1 of the submissions does not count toward it. Last evaluated 2024-11-20.

Conditions:
FSIP2-related disorder. Also called: FSIP2-related condition.

Allele frequency attached by ClinVar (database versions not stated): ExAC 0.00191; 1000 Genomes Project 0.00399; 1000 Genomes Project 30x 0.00437; gnomAD 0.00663; TOPMed 0.00746.
gnomAD v4.1: 2,225 of 1,533,712 alleles (0.15%); highest among the groups gnomAD compares: African/African-American, 2.2%; 21 homozygotes.

Submissions (2):

Blueprint Genetics
Classification: Likely benign. Last evaluated: 2024-11-20. Review status: criteria provided, single submitter. Criteria: ACMG Guidelines, 2015. Collection method: clinical testing. Allele origin: germline.

PreventionGenetics, part of Exact Sciences
Classification: Likely benign for FSIP2-related condition. Last evaluated: 2019-03-26. Review status: no assertion criteria provided. Collection method: clinical testing. Allele origin: germline. Not counted in ClinVar's aggregate classification.
Comment: This variant is classified as likely benign based on ACMG/AMP sequence variant interpretation guidelines (Richards et al. 2015 PMID: 25741868, with internal and published modifications).